The following is an entry in ClinVar:

ClinVar aggregate classification (germline): Likely benign (0 of 4 stars; one submission).

Conditions:
SLC22A11-related disorder. Also called: SLC22A11-related condition.

Allele frequency attached by ClinVar (database versions not stated): 1000 Genomes Project 30x 0.00047; 1000 Genomes Project 0.00060; ExAC 0.00155; ESP Exome Variant Server 0.00246.
gnomAD v4.1: 4,519 of 1,605,046 alleles (0.28%); highest among the groups gnomAD compares: Non-Finnish European, 0.35%; 14 homozygotes.

Submission:

PreventionGenetics, part of Exact Sciences
Classification: Likely benign for SLC22A11-related condition. Last evaluated: 2023-06-07. Review status: no assertion criteria provided. Collection method: clinical testing. Allele origin: germline.
Comment: This variant is classified as likely benign based on ACMG/AMP sequence variant interpretation guidelines (Richards et al. 2015 PMID: 25741868, with internal and published modifications).

NM_018484.4(SLC22A11):c.5C>T (p.Ala2Val)

Gene: SLC22A11 (solute carrier family 22 member 11; plus strand). Cytogenetic location: 11q13.1.
Variant type: single nucleotide variant.
Coding change: c.5C>T on transcript NM_018484.4 (MANE Select); coding-DNA position 5, C replaced by T.
Protein change: p.Ala2Val; replaces alanine 2 with valine.
Molecular consequence: missense variant.
Genome position (GRCh38, 1-based): chr11:64,556,004, C>T. VCF-style: chr11-64556004-C-T. GRCh37 (hg19) VCF-style: chr11-64323476-C-T.
Other names: c.5C>T, p.Ala2Val (NM_001307985.2); short protein forms A2V.
Identifiers: ClinVar variation 3042024 (VCV003042024.2), dbSNP rs141159367, ClinGen allele CA6076372.